The following is an entry in ClinVar:

ClinVar aggregate classification (germline): Conflicting classifications of pathogenicity. Review status: criteria provided, conflicting classifications (1 of 4 stars). 2 submissions from 2 submitters: Uncertain significance (1); Likely benign (1). Last evaluated 2024-09-15.

Conditions:
Hereditary cancer-predisposing syndrome. Also called: Neoplastic Syndromes, Hereditary; Tumor predisposition; Hereditary Cancer Syndrome; Hereditary neoplastic syndrome. Identifiers: Orphanet 140162, MedGen C0027672, MeSH D009386, MONDO:0015356.

Submissions (2):

Ambry Genetics
Classification: Uncertain significance for Hereditary cancer-predisposing syndrome. Last evaluated: 2024-09-15. Review status: criteria provided, single submitter. Criteria: Ambry Variant Classification Scheme 2023. Collection method: clinical testing. Allele origin: germline.
Comment: The p.G1157A variant (also known as c.3470G>C), located in coding exon 9 of the BRCA1 gene, results from a G to C substitution at nucleotide position 3470. The glycine at codon 1157 is replaced by alanine, an amino acid with similar properties. This amino acid position is poorly conserved in available vertebrate species. In addition, this alteration is predicted to be tolerated by in silico analysis. Since supporting evidence is limited at this time, the clinical significance of this alteration remains unclear.

University of Washington Department of Laboratory Medicine, University of Washington
Classification: Likely benign for Hereditary cancer-predisposing syndrome. Last evaluated: 2023-03-23. Review status: criteria provided, single submitter. Criteria: Dines et al. (Genet Med. 2020). Collection method: curation. Allele origin: germline.
Comment: Missense variant in a coldspot region where missense variants are very unlikely to be pathogenic (PMID:31911673).

BRCA1 coldspot (exon 11 using historical exon numbering). Reclassification based on statistical prior probability

NM_007294.4(BRCA1):c.3470G>C (p.Gly1157Ala)

Genes: BRCA1 (BRCA1 DNA repair associated; minus strand), LOC126862571 (BRD4-independent group 4 enhancer GRCh37_chr17:41243136-41244335; plus strand). Cytogenetic location: 17q21.31.
Variant type: single nucleotide variant.
Coding change: c.3470G>C on transcript NM_007294.4 (MANE Select); coding-DNA position 3470, G replaced by C.
Protein change: p.Gly1157Ala; replaces glycine 1157 with alanine.
Molecular consequence: missense variant. On other transcripts: intron variant (135).
Genome position (GRCh38, 1-based): chr17:43,092,061, C>G on the plus strand (G>C on the coding strand, the complement: BRCA1 is on the minus strand). VCF-style: chr17-43092061-C-G. GRCh37 (hg19) VCF-style: chr17-41244078-C-G.
Other names: c.3467G>C, p.Gly1156Ala (NM_001407587.1, NM_001407590.1, NM_001407591.1 and 22 more transcripts); c.3470G>C, p.Gly1157Ala (NM_001407593.1, NM_001407594.1, NM_001407596.1 and 30 more transcripts); c.3461G>C, p.Gly1154Ala (NM_001407646.1, NM_001407647.1); c.3347G>C, p.Gly1116Ala (NM_001407648.1, NM_001407664.1, NM_001407665.1 and 19 more transcripts); c.3344G>C, p.Gly1115Ala (NM_001407649.1, NM_001407670.1, NM_001407671.1 and 11 more transcripts); c.3392G>C, p.Gly1131Ala (NM_001407653.1, NM_001407654.1, NM_001407655.1 and 4 more transcripts); c.3389G>C, p.Gly1130Ala (NM_001407659.1, NM_001407660.1, NM_001407661.1 and 1 more transcripts); c.3329G>C, p.Gly1110Ala (NM_001407692.1, NM_001407694.1, NM_001407695.1 and 29 more transcripts); and 41 more; short protein forms G1157A, G1110A, G1045A, G1068A, G1069A, G1087A, G1154A, G861A.
Identifiers: ClinVar variation 231397 (VCV000231397.9), dbSNP rs876659133, ClinGen allele CA10580560.